The following is an entry in ClinVar:

NM_000088.4(COL1A1):c.2215C>T (p.Pro739Ser)

Gene: COL1A1 (collagen type I alpha 1 chain; minus strand). Cytogenetic location: 17q21.33.
Variant type: single nucleotide variant.
Coding change: c.2215C>T on transcript NM_000088.4 (MANE Select); coding-DNA position 2215, C replaced by T.
Protein change: p.Pro739Ser; replaces proline 739 with serine.
Molecular consequence: missense variant.
Genome position (GRCh38, 1-based): chr17:50,191,403, G>A on the plus strand (C>T on the coding strand, the complement: COL1A1 is on the minus strand). VCF-style: chr17-50191403-G-A. GRCh37 (hg19) VCF-style: chr17-48268764-G-A.
Other names: short protein forms P739S.
Identifiers: ClinVar variation 3672615 (VCV003672615.2).

ClinVar aggregate classification (germline): Uncertain significance (1 of 4 stars; one submission).

Conditions:
Osteogenesis imperfecta type I (OI1). Also called: OI, TYPE I; OSTEOGENESIS IMPERFECTA TARDA; OSTEOGENESIS IMPERFECTA WITH BLUE SCLERAE; Osteogenesis imperfecta type 1; Lobstein's Disease; Lobstein disease. Identifiers: Orphanet 216796, Orphanet 666, MedGen C0023931, MONDO:0008146, OMIM 166200. Disease mechanism: loss of function.

Submission:

Labcorp Genetics (formerly Invitae), Labcorp
Classification: Uncertain significance for Osteogenesis imperfecta type I. Last evaluated: 2024-09-16. Review status: criteria provided, single submitter. Criteria: Invitae Variant Classification Sherloc (09022015). Collection method: clinical testing. Allele origin: germline.
Comment: This sequence change replaces proline, which is neutral and non-polar, with serine, which is neutral and polar, at codon 739 of the COL1A1 protein (p.Pro739Ser). This variant is present in population databases (no rsID available, gnomAD 0.003%). This variant has not been reported in the literature in individuals affected with COL1A1-related conditions. Invitae Evidence Modeling of protein sequence and biophysical properties (such as structural, functional, and spatial information, amino acid conservation, physicochemical variation, residue mobility, and thermodynamic stability) indicates that this missense variant is expected to disrupt COL1A1 protein function with a positive predictive value of 95%. In summary, the available evidence is currently insufficient to determine the role of this variant in disease. Therefore, it has been classified as a Variant of Uncertain Significance.